The following is an entry in ClinVar:

NM_001082538.3(TCTN1):c.823-6A>G

Gene: TCTN1 (tectonic family member 1; plus strand). Cytogenetic location: 12q24.11.
Variant type: single nucleotide variant.
Coding change: c.823-6A>G on transcript NM_001082538.3 (MANE Select); 6 bases into the intron before coding-DNA position 823, A replaced by G.
Molecular consequence: intron variant.
Genome position (GRCh38, 1-based): chr12:110,636,475, A>G. VCF-style: chr12-110636475-A-G. GRCh37 (hg19) VCF-style: chr12-111074280-A-G.
Other names: c.655-6A>G (NM_001173975.3); c.643-6A>G (NM_001173976.2); c.289-6A>G (NM_001319681.2); c.781-6A>G (NM_024549.6); c.823-6A>G (NM_001082537.3, NM_001319680.2).
Identifiers: ClinVar variation 696824 (VCV000696824.12), dbSNP rs377230085, ClinGen allele CA6786742.

ClinVar aggregate classification (germline): Likely benign. Review status: criteria provided, multiple submitters, no conflicts (2 of 4 stars). 4 submissions from 4 submitters: Likely benign (4). Last evaluated 2026-01-21.

Conditions:
TCTN1-related disorder. Also called: TCTN1-related condition.
Joubert syndrome. Also called: Familial aplasia of the vermis; JOUBERT-BOLTSHAUSER SYNDROME. Identifiers: Orphanet 475, MedGen C5979921, MONDO:0018772.
Meckel-Gruber syndrome. Also called: DYSENCEPHALIA SPLANCHNOCYSTICA; GRUBER SYNDROME; Dysencephalia splachnocystica. Identifiers: Orphanet 564, MedGen C0265215, MONDO:0018921.

Allele frequency attached by ClinVar (database versions not stated): gnomAD exomes 0.00011 and 0.00012; gnomAD 0.00012; ExAC 0.00014; TOPMed 0.00014; ESP Exome Variant Server 0.00017; 1000 Genomes Project 0.00020; 1000 Genomes Project 30x 0.00031.
gnomAD v4.1: 155 of 1,375,748 alleles (0.011%); highest among the groups gnomAD compares: Non-Finnish European, 0.015%; no homozygotes.

Submissions (4):

Labcorp Genetics (formerly Invitae), Labcorp
Classification: Likely benign for Joubert syndrome; Meckel-Gruber syndrome. Last evaluated: 2026-01-21. Review status: criteria provided, single submitter. Criteria: Invitae Variant Classification Sherloc (09022015). Collection method: clinical testing. Allele origin: germline.

PreventionGenetics, part of Exact Sciences
Classification: Likely benign for TCTN1-related condition. Last evaluated: 2025-05-30. Review status: criteria provided, single submitter. Criteria: ACMG Guidelines, 2015. Collection method: clinical testing. Allele origin: germline.
Comment: This variant is classified as likely benign based on ACMG/AMP sequence variant interpretation guidelines (Richards et al. 2015 PMID: 25741868, with internal and published modifications).

Laboratory of Genetics, Children's Clinical University Hospital Latvia
Classification: Likely benign. Last evaluated: 2025-02-16. Review status: criteria provided, single submitter. Criteria: ACMG Guidelines, 2015. Collection method: clinical testing. Allele origin: germline. Affected: yes.

Blueprint Genetics
Classification: Likely benign. Last evaluated: 2024-10-10. Review status: criteria provided, single submitter. Criteria: ACMG Guidelines, 2015. Collection method: clinical testing. Allele origin: germline.